The following is an entry in ClinVar:

ClinVar aggregate classification (germline): Uncertain significance. Review status: criteria provided, multiple submitters, no conflicts (2 of 4 stars). 9 submissions from 8 submitters: Uncertain significance (9). Last evaluated 2026-08-19.

Conditions:
WFS1-related disorder. Identifiers: MedGen CN379391, MONDO:0700293.
Inborn genetic diseases. Identifiers: MedGen C0950123, MeSH D030342.
WFS1-Related Spectrum Disorders.
Wolfram-like syndrome. Also called: HEARING LOSS, PROGRESSIVE, WITH OPTIC ATROPHY AND/OR IMPAIRED GLUCOSE REGULATION. Identifiers: Orphanet 411590, MedGen C3280358, MONDO:0013673, OMIM 614296.
Cataract 41 (CTRCT41). Also called: CATARACT 41, CONGENITAL NUCLEAR TYPE. Identifiers: Orphanet 91492, Orphanet 98991, Orphanet 98992, Orphanet 98995, MedGen C3805412, MONDO:0007287, OMIM 116400.
Autosomal dominant nonsyndromic hearing loss 6 (LFSNHL). Also called: Autosomal dominant nonsyndromic deafness 6; DEAFNESS, AUTOSOMAL DOMINANT 14; DEAFNESS, AUTOSOMAL DOMINANT 38; DEAFNESS, AUTOSOMAL DOMINANT 6. Identifiers: Orphanet 90635, MedGen C1833021, MONDO:0010963, OMIM 600965.
Type 2 diabetes mellitus. Also called: Type II diabetes mellitus. Identifiers: MedGen C0011860, MeSH D003924, MONDO:0005148, OMIM 125853, HP:0005978.
Wolfram syndrome 1 (WFS1). Identifiers: Orphanet 3463, MedGen C4551693, MONDO:0009101, OMIM 222300.

Allele frequency attached by ClinVar (database versions not stated): TOPMed 0.00003; 1000 Genomes Project 30x 0.00016.

Submissions (9):

PreventionGenetics, part of Exact Sciences
Classification: Uncertain significance for WFS1-related condition. Last evaluated: 2026-08-19. Review status: criteria provided, single submitter. Criteria: ACMG Guidelines, 2015. Collection method: clinical testing. Allele origin: germline.
Comment: The WFS1 c.2595C>A variant is predicted to result in the amino acid substitution p.His865Gln. To our knowledge, this variant has not been reported in the literature. This variant is reported in 0.0035% of alleles in individuals of European (Non-Finnish) descent in gnomAD. At this time, the clinical significance of this variant is uncertain due to the absence of conclusive functional and genetic evidence.

Ambry Genetics
Classification: Uncertain significance for Inborn genetic diseases. Last evaluated: 2024-08-27. Review status: criteria provided, single submitter. Criteria: Ambry Variant Classification Scheme 2023. Collection method: clinical testing. Allele origin: germline.

Blueprint Genetics
Classification: Uncertain significance. Last evaluated: 2023-12-22. Review status: criteria provided, single submitter. Criteria: ACMG Guidelines, 2015. Collection method: clinical testing. Allele origin: germline.

Labcorp Genetics (formerly Invitae), Labcorp
Classification: Uncertain significance. Last evaluated: 2023-03-19. Review status: criteria provided, single submitter. Criteria: Invitae Variant Classification Sherloc (09022015). Collection method: clinical testing. Allele origin: germline.
Comment: In summary, the available evidence is currently insufficient to determine the role of this variant in disease. Therefore, it has been classified as a Variant of Uncertain Significance. Advanced modeling of protein sequence and biophysical properties (such as structural, functional, and spatial information, amino acid conservation, physicochemical variation, residue mobility, and thermodynamic stability) performed at Invitae indicates that this missense variant is not expected to disrupt WFS1 protein function. ClinVar contains an entry for this variant (Variation ID: 349331). This variant has not been reported in the literature in individuals affected with WFS1-related conditions. This variant is present in population databases (rs142469572, gnomAD 0.004%). This sequence change replaces histidine, which is basic and polar, with glutamine, which is neutral and polar, at codon 865 of the WFS1 protein (p.His865Gln).

Fulgent Genetics
Classification: Uncertain significance for Cataract 41; Type 2 diabetes mellitus; Wolfram syndrome 1; Autosomal dominant nonsyndromic hearing loss 6; Wolfram-like syndrome. Last evaluated: 2021-11-09. Review status: criteria provided, single submitter. Criteria: ACMG Guidelines, 2015. Collection method: clinical testing. Allele origin: unknown.

GeneDx
Classification: Uncertain significance. Last evaluated: 2019-04-24. Review status: criteria provided, single submitter. Criteria: GeneDx Variant Classification Process June 2021. Collection method: clinical testing. Allele origin: germline. Affected: yes.
Comment: Not observed at a significant frequency in large population cohorts (Lek et al., 2016); In silico analysis, which includes protein predictors and evolutionary conservation, supports that this variant does not alter protein structure/function; Has not been previously published as pathogenic or benign to our knowledge

CeGaT Center for Human Genetics Tuebingen
Classification: Uncertain significance. Last evaluated: 2018-07-01. Review status: criteria provided, single submitter. Criteria: CeGaT Center For Human Genetics Tuebingen Variant Classification Criteria Version 2. Collection method: clinical testing. Allele origin: germline. Affected: yes. Observed: 1 variant allele.

Illumina Laboratory Services, Illumina
Classification: Uncertain significance for Autosomal dominant nonsyndromic hearing loss 6. Last evaluated: 2018-01-12. Review status: criteria provided, single submitter. Criteria: ICSL Variant Classification Criteria 13 December 2019. Collection method: clinical testing. Allele origin: germline.

Illumina Laboratory Services, Illumina
Classification: Uncertain significance for WFS1-Related Spectrum Disorders. Last evaluated: 2018-01-12. Review status: criteria provided, single submitter. Criteria: ICSL Variant Classification Criteria 13 December 2019. Collection method: clinical testing. Allele origin: germline.

NM_006005.3(WFS1):c.2595C>A (p.His865Gln)

Gene: WFS1 (wolframin ER transmembrane glycoprotein; plus strand). Cytogenetic location: 4p16.1.
Variant type: single nucleotide variant.
Coding change: c.2595C>A on transcript NM_006005.3 (MANE Select); coding-DNA position 2595, C replaced by A.
Protein change: p.His865Gln; replaces histidine 865 with glutamine.
Molecular consequence: missense variant.
Genome position (GRCh38, 1-based): chr4:6,302,390, C>A. VCF-style: chr4-6302390-C-A. GRCh37 (hg19) VCF-style: chr4-6304117-C-A.
Other names: c.2595C>A, p.His865Gln (NM_001145853.1); short protein forms H865Q.
Identifiers: ClinVar variation 349331 (VCV000349331.55), dbSNP rs142469572, ClinGen allele CA2839797.
Genomic context (GRCh38, chr4:6,302,390, plus strand): 5'-CAGCTGCCTCAACTGCATGGCCCAGCTCTCACCCACCAGGCGGCACGTGAAGATCGAGCA[C>A]GACTGGCGCAGCACCGTGCATGGCGCCGTGAAGTTCGCCTTCGACTTCTTTTTCTTCCCA-3'
Protein context (NP_005996.2, residues 855-875): SPTRRHVKIE[His865Gln]DWRSTVHGAV